The following is an entry in ClinVar:

ClinVar aggregate classification (germline): Uncertain significance. Review status: criteria provided, multiple submitters, no conflicts (2 of 4 stars). 2 submissions from 2 submitters: Uncertain significance (2). Last evaluated 2024-03-07.

Conditions:
Primary ciliary dyskinesia 30. Also called: CILIARY DYSKINESIA, PRIMARY, 30, WITH OR WITHOUT SITUS INVERSUS. Identifiers: Orphanet 244, MedGen C4015016, MONDO:0014465, OMIM 616037.

Allele frequency attached by ClinVar (database versions not stated): gnomAD 0.00001; gnomAD exomes 0.00001; TOPMed 0.00001.
gnomAD v4.1: 5 of 1,607,934 alleles (0.00031%); highest among the groups gnomAD compares: Admixed American, 0.0033%; no homozygotes.

Submissions (2):

Blueprint Genetics
Classification: Uncertain significance. Last evaluated: 2024-03-07. Review status: criteria provided, single submitter. Criteria: ACMG Guidelines, 2015. Collection method: clinical testing. Allele origin: germline.

Labcorp Genetics (formerly Invitae), Labcorp
Classification: Uncertain significance for Primary ciliary dyskinesia 30. Last evaluated: 2022-07-19. Review status: criteria provided, single submitter. Criteria: Invitae Variant Classification Sherloc (09022015). Collection method: clinical testing. Allele origin: germline.
Comment: This sequence change replaces histidine, which is basic and polar, with glutamine, which is neutral and polar, at codon 372 of the CCDC151 protein (p.His372Gln). In summary, the available evidence is currently insufficient to determine the role of this variant in disease. Therefore, it has been classified as a Variant of Uncertain Significance. Algorithms developed to predict the effect of sequence changes on RNA splicing suggest that this variant may create or strengthen a splice site. Algorithms developed to predict the effect of missense changes on protein structure and function (SIFT, PolyPhen-2, Align-GVGD) all suggest that this variant is likely to be tolerated. ClinVar contains an entry for this variant (Variation ID: 960106). This variant has not been reported in the literature in individuals affected with CCDC151-related conditions. This variant is present in population databases (no rsID available, gnomAD 0.003%).

NM_145045.5(ODAD3):c.1116C>G (p.His372Gln)

Gene: ODAD3 (outer dynein arm docking complex subunit 3; minus strand). Cytogenetic location: 19p13.2.
Variant type: single nucleotide variant.
Coding change: c.1116C>G on transcript NM_145045.5 (MANE Select); coding-DNA position 1116, C replaced by G.
Protein change: p.His372Gln; replaces histidine 372 with glutamine.
Molecular consequence: missense variant.
Genome position (GRCh38, 1-based): chr19:11,423,877, G>C on the plus strand (C>G on the coding strand, the complement: ODAD3 is on the minus strand). VCF-style: chr19-11423877-G-C. GRCh37 (hg19) VCF-style: chr19-11534546-G-C.
Other names: c.954C>G, p.His318Gln (NM_001302453.1); c.936C>G, p.His312Gln (NM_001302454.2); short protein forms H318Q, H372Q, H312Q.
Identifiers: ClinVar variation 960106 (VCV000960106.8), dbSNP rs1361894803, ClinGen allele CA404121382.